The following is an entry in ClinVar:

NM_001042681.2(RERE):c.3473A>C (p.Lys1158Thr)

Gene: RERE (arginine-glutamic acid dipeptide repeats; minus strand). Cytogenetic location: 1p36.23.
Variant type: single nucleotide variant.
Coding change: c.3473A>C on transcript NM_001042681.2 (MANE Select); coding-DNA position 3473, A replaced by C.
Protein change: p.Lys1158Thr; replaces lysine 1158 with threonine.
Molecular consequence: missense variant.
Genome position (GRCh38, 1-based): chr1:8,359,909, T>G on the plus strand (A>C on the coding strand, the complement: RERE is on the minus strand). VCF-style: chr1-8359909-T-G. GRCh37 (hg19) VCF-style: chr1-8419969-T-G.
Other names: c.1811A>C, p.Lys604Thr (NM_001042682.2); c.3473A>C, p.Lys1158Thr (NM_012102.4); c.3473A>C (NM_012102.3); short protein forms K604T, K1158T.
Identifiers: ClinVar variation 2868169 (VCV002868169.4), dbSNP rs1401837195, ClinGen allele CA338170508.

ClinVar aggregate classification (germline): Uncertain significance. Review status: criteria provided, multiple submitters, no conflicts (2 of 4 stars). 2 submissions from 2 submitters: Uncertain significance (2). Last evaluated 2025-05-05.

Conditions:
Inborn genetic diseases. Identifiers: MedGen C0950123, MeSH D030342.

gnomAD v4.1: 2 of 1,613,364 alleles (0.00012%); highest among the groups gnomAD compares: Non-Finnish European, 0.00017%; no homozygotes.

Submissions (2):

Labcorp Genetics (formerly Invitae), Labcorp
Classification: Uncertain significance. Last evaluated: 2025-05-05. Review status: criteria provided, single submitter. Criteria: Invitae Variant Classification Sherloc (09022015). Collection method: clinical testing. Allele origin: germline.
Comment: This sequence change replaces lysine, which is basic and polar, with threonine, which is neutral and polar, at codon 1158 of the RERE protein (p.Lys1158Thr). This variant is not present in population databases (gnomAD no frequency). This variant has not been reported in the literature in individuals affected with RERE-related conditions. ClinVar contains an entry for this variant (Variation ID: 2868169). Invitae Evidence Modeling of protein sequence and biophysical properties (such as structural, functional, and spatial information, amino acid conservation, physicochemical variation, residue mobility, and thermodynamic stability) has been performed for this missense variant. However, the output from this modeling did not meet the statistical confidence thresholds required to predict the impact of this variant on RERE protein function. In summary, the available evidence is currently insufficient to determine the role of this variant in disease. Therefore, it has been classified as a Variant of Uncertain Significance.

Ambry Genetics
Classification: Uncertain significance for Inborn genetic diseases. Last evaluated: 2024-06-17. Review status: criteria provided, single submitter. Criteria: Ambry Variant Classification Scheme 2023. Collection method: clinical testing. Allele origin: germline.